The following is an entry in ClinVar:

ClinVar aggregate classification (germline): Conflicting classifications of pathogenicity. Review status: criteria provided, conflicting classifications (1 of 4 stars). 5 submissions from 4 submitters: Uncertain significance (2); Likely benign (3). Last evaluated 2026-01-27.

Conditions:
Generalized epilepsy with febrile seizures plus, type 2 (GEFSP2). Also called: GEFS+, TYPE 2. Identifiers: Orphanet 36387, MedGen C1858673, MONDO:0011461, OMIM 604403.
Migraine, familial hemiplegic, 3. Identifiers: Orphanet 569, MedGen C1864987, MONDO:0012320, OMIM 609634.
Early-infantile DEE. Also called: Early infantile epileptic encephalopathy; Early infantile epileptic encephalopathy with suppression bursts; Ohtahara syndrome. Identifiers: Orphanet 1934, MedGen C0393706, MONDO:0800491.

Allele frequency attached by ClinVar (database versions not stated): gnomAD 0.00005 and 0.00006; gnomAD exomes 0.00005 and 0.00016; ExAC 0.00006; TOPMed 0.00006; 1000 Genomes Project 0.00020; 1000 Genomes Project 30x 0.00031.
gnomAD v4.1: 233 of 1,610,442 alleles (0.014%); highest among the groups gnomAD compares: Non-Finnish European, 0.019%; no homozygotes.

Submissions (5):

Labcorp Genetics (formerly Invitae), Labcorp
Classification: Likely benign for Early-infantile DEE. Last evaluated: 2026-01-27. Review status: criteria provided, single submitter. Criteria: Invitae Variant Classification Sherloc (09022015). Collection method: clinical testing. Allele origin: germline.

Blueprint Genetics
Classification: Likely benign. Last evaluated: 2023-12-08. Review status: criteria provided, single submitter. Criteria: ACMG Guidelines, 2015. Collection method: clinical testing. Allele origin: germline.

Illumina Laboratory Services, Illumina
Classification: Uncertain significance for Migraine, familial hemiplegic, 3. Last evaluated: 2018-01-12. Review status: criteria provided, single submitter. Criteria: ICSL Variant Classification Criteria 13 December 2019. Collection method: clinical testing. Allele origin: germline.

Illumina Laboratory Services, Illumina
Classification: Uncertain significance for Generalized epilepsy with febrile seizures plus, type 2. Last evaluated: 2018-01-12. Review status: criteria provided, single submitter. Criteria: ICSL Variant Classification Criteria 13 December 2019. Collection method: clinical testing. Allele origin: germline.

GeneDx
Classification: Likely benign. Last evaluated: 2017-08-01. Review status: criteria provided, single submitter. Criteria: GeneDx Variant Classification (06012015). Collection method: clinical testing. Allele origin: germline. Affected: yes.
Comment: This variant is considered likely benign or benign based on one or more of the following criteria: it is a conservative change, it occurs at a poorly conserved position in the protein, it is predicted to be benign by multiple in silico algorithms, and/or has population frequency not consistent with disease.

NM_001165963.4(SCN1A):c.2176+11A>C

Gene: SCN1A (sodium voltage-gated channel alpha subunit 1; minus strand). Cytogenetic location: 2q24.3.
Variant type: single nucleotide variant.
Coding change: c.2176+11A>C on transcript NM_001165963.4 (MANE Select); 11 bases into the intron after coding-DNA position 2176, A replaced by C.
Molecular consequence: intron variant.
Genome position (GRCh38, 1-based): chr2:166,042,281, T>G on the plus strand (A>C on the coding strand, the complement: SCN1A is on the minus strand). VCF-style: chr2-166042281-T-G. GRCh37 (hg19) VCF-style: chr2-166898791-T-G.
Other names: c.2143+11A>C (NM_001353949.2, NM_001353950.2, NM_001353951.2 and 2 more transcripts); c.2092+11A>C (NM_001353958.2, NM_001353957.2, NM_001165964.3); c.2176+11A>C (NM_001202435.3, NM_001353948.2); c.2140+11A>C (NM_001353955.2, NM_001353954.2); c.2089+11A>C (NM_001353960.2); c.-283+11A>C (NM_001353961.2).
Identifiers: ClinVar variation 331891 (VCV000331891.15), dbSNP rs201604887, ClinGen allele CA1943183.